The following is an entry in ClinVar:

NM_000059.4(BRCA2):c.3752C>T (p.Thr1251Ile)

Gene: BRCA2 (BRCA2 DNA repair associated; plus strand). Cytogenetic location: 13q13.1.
Variant type: single nucleotide variant.
Coding change: c.3752C>T on transcript NM_000059.4 (MANE Select); coding-DNA position 3752, C replaced by T.
Protein change: p.Thr1251Ile; replaces threonine 1251 with isoleucine.
Molecular consequence: missense variant.
Genome position (GRCh38, 1-based): chr13:32,338,107, C>T. VCF-style: chr13-32338107-C-T. GRCh37 (hg19) VCF-style: chr13-32912244-C-T.
Other names: short protein forms T1251I.
Identifiers: ClinVar variation 462306 (VCV000462306.10), dbSNP rs1555283384, ClinGen allele CA387778191.
Genomic context (GRCh38, chr13:32,338,107, plus strand): 5'-CTGAAGCTCTGCAAAAAGCTGTGAAACTGTTTAGTGATATTGAGAATATTAGTGAGGAAA[C>T]TTCTGCAGAGGTACATCCAATAAGTTTATCTTCAAGTAAATGTCATGATTCTGTTGTTTC-3'
Protein context (NP_000050.3, residues 1241-1261): FSDIENISEE[Thr1251Ile]SAEVHPISLS

ClinVar aggregate classification (germline): Conflicting classifications of pathogenicity. Review status: criteria provided, conflicting classifications (1 of 4 stars). 2 submissions from 2 submitters: Uncertain significance (1); Likely benign (1). Last evaluated 2024-08-27.

Conditions:
Hereditary cancer-predisposing syndrome. Also called: Neoplastic Syndromes, Hereditary; Hereditary Cancer Syndrome; Hereditary neoplastic syndrome; Tumor predisposition. Identifiers: Orphanet 140162, MedGen C0027672, MeSH D009386, MONDO:0015356.
Hereditary breast ovarian cancer syndrome. Also called: Hereditary breast and ovarian cancer syndrome (HBOC); Hereditary breast and ovarian cancer syndrome; Breast and ovarian cancer; Hereditary breast and/or ovarian cancer syndrome; Hereditary breast and ovarian cancer; BRCA1- and BRCA2-Associated Hereditary Breast and Ovarian Cancer. Identifiers: Orphanet 145, MedGen C0677776, MeSH D061325, MONDO:0003582. Disease mechanism: loss of function.

Submissions (2):

Labcorp Genetics (formerly Invitae), Labcorp
Classification: Uncertain significance for Hereditary breast ovarian cancer syndrome. Last evaluated: 2024-08-27. Review status: criteria provided, single submitter. Criteria: Invitae Variant Classification Sherloc (09022015). Collection method: clinical testing. Allele origin: germline.
Comment: This sequence change replaces threonine, which is neutral and polar, with isoleucine, which is neutral and non-polar, at codon 1251 of the BRCA2 protein (p.Thr1251Ile). This variant is not present in population databases (gnomAD no frequency). This variant has not been reported in the literature in individuals affected with BRCA2-related conditions. ClinVar contains an entry for this variant (Variation ID: 462306). Invitae Evidence Modeling of protein sequence and biophysical properties (such as structural, functional, and spatial information, amino acid conservation, physicochemical variation, residue mobility, and thermodynamic stability) indicates that this missense variant is not expected to disrupt BRCA2 protein function with a negative predictive value of 95%. In summary, the available evidence is currently insufficient to determine the role of this variant in disease. Therefore, it has been classified as a Variant of Uncertain Significance.

University of Washington Department of Laboratory Medicine, University of Washington
Classification: Likely benign for Hereditary cancer-predisposing syndrome. Last evaluated: 2023-03-23. Review status: criteria provided, single submitter. Criteria: Dines et al. (Genet Med. 2020). Collection method: curation. Allele origin: germline.
Comment: Missense variant in a coldspot region where missense variants are very unlikely to be pathogenic (PMID:31911673).

BRCA2 exon 11 coldspot. Reclassification based on statistical prior probability.